The following is an entry in ClinVar:

ClinVar aggregate classification (germline): Uncertain significance (1 of 4 stars; one submission).

Submission:

Ambry Genetics
Classification: Uncertain significance. Last evaluated: 2021-08-14. Review status: criteria provided, single submitter. Criteria: Ambry Variant Classification Scheme 2023. Collection method: clinical testing. Allele origin: germline.
Comment: The p.W1994R variant (also known as c.5980T>C), located in coding exon 19 of the POLQ gene, results from a T to C substitution at nucleotide position 5980. The tryptophan at codon 1994 is replaced by arginine, an amino acid with dissimilar properties. This amino acid position is conserved. In addition, the in silico prediction for this alteration is inconclusive. Since supporting evidence is limited at this time, the clinical significance of this alteration remains unclear.

NM_199420.4(POLQ):c.5980T>C (p.Trp1994Arg)

Gene: POLQ (DNA polymerase theta; minus strand). Cytogenetic location: 3q13.33.
Variant type: single nucleotide variant.
Coding change: c.5980T>C on transcript NM_199420.4 (MANE Select); coding-DNA position 5980, T replaced by C.
Protein change: p.Trp1994Arg; replaces tryptophan 1994 with arginine.
Molecular consequence: missense variant.
Genome position (GRCh38, 1-based): chr3:121,481,803, A>G on the plus strand (T>C on the coding strand, the complement: POLQ is on the minus strand). VCF-style: chr3-121481803-A-G. GRCh37 (hg19) VCF-style: chr3-121200650-A-G.
Other names: short protein forms W1994R.
Identifiers: ClinVar variation 1750843 (VCV001750843.2), dbSNP rs2546780540, ClinGen allele CA354088356.